The following is an entry in ClinVar:

ClinVar aggregate classification (germline): Pathogenic (1 of 4 stars; one submission).

Conditions:
DICER1-related tumor predisposition. Also called: DICER1 syndrome; DICER1-related pleuropulmonary blastoma cancer predisposition syndrome. Identifiers: Orphanet 284343, MedGen C3839822, MONDO:0100216.

Submission:

Labcorp Genetics (formerly Invitae), Labcorp
Classification: Pathogenic for DICER1-related tumor predisposition. Last evaluated: 2024-02-15. Review status: criteria provided, single submitter. Criteria: Invitae Variant Classification Sherloc (09022015). Collection method: clinical testing. Allele origin: germline.
Comment: This sequence change creates a premature translational stop signal (p.Thr1403Lysfs*25) in the DICER1 gene. It is expected to result in an absent or disrupted protein product. Loss-of-function variants in DICER1 are known to be pathogenic (PMID: 19556464, 21266384). This variant is not present in population databases (gnomAD no frequency). This variant has not been reported in the literature in individuals affected with DICER1-related conditions. For these reasons, this variant has been classified as Pathogenic.

Literature cited by the submitters: PubMed 19556464; PubMed 21266384.

NM_177438.3(DICER1):c.4208del (p.Thr1403fs)

Gene: DICER1 (dicer 1, ribonuclease III; minus strand). Cytogenetic location: 14q32.13.
Variant type: Deletion.
Coding change: c.4208del on transcript NM_177438.3 (MANE Select); coding-DNA position 4208, one base deleted (C; older notation c.4208delC).
Protein change: p.Thr1403fs; shifts the reading frame from threonine 1403.
Molecular consequence: frameshift variant. On other transcripts: non-coding transcript variant (6).
Genome position (GRCh38, 1-based): chr14:95,096,712, G deleted on the plus strand (C on the coding strand, the reverse complement: DICER1 is on the minus strand). VCF-style (leftmost placement, unchanged base first): chr14-95096711-TG-T. GRCh37 (hg19) VCF-style: chr14-95563048-TG-T.
Other names: c.4208del, p.Thr1403fs (NM_001195573.1, NM_001271282.3, NM_001291628.2 and 12 more transcripts); c.3926del, p.Thr1309fs (NM_001395686.1); c.3803del, p.Thr1268fs (NM_001395687.1, NM_001395688.1, NM_001395689.1 and 2 more transcripts); c.3641del, p.Thr1214fs (NM_001395691.1); c.2525del, p.Thr842fs (NM_001395697.1); short protein forms T1403fs, T842fs, T1268fs, T1214fs, T1309fs.
Identifiers: ClinVar variation 3641032 (VCV003641032.2).